The following is an entry in ClinVar:

NM_013975.4(LIG3):c.2331+19G>A

Gene: LIG3 (DNA ligase 3; plus strand). Cytogenetic location: 17q12.
Variant type: single nucleotide variant.
Coding change: c.2331+19G>A on transcript NM_013975.4 (MANE Select); 19 bases into the intron after coding-DNA position 2331, G replaced by A.
Molecular consequence: intron variant.
Genome position (GRCh38, 1-based): chr17:34,999,875, G>A. VCF-style: chr17-34999875-G-A. GRCh37 (hg19) VCF-style: chr17-33326894-G-A.
Other names: c.2331+19G>A (NM_002311.5).
Identifiers: ClinVar variation 977726 (VCV000977726.2), dbSNP rs3136015, ClinGen allele CA8498618.

ClinVar aggregate classification (germline): Benign. Review status: criteria provided, multiple submitters, no conflicts (2 of 4 stars). 2 submissions from 2 submitters: Benign (2). Last evaluated 2020-08-03.

Allele frequency attached by ClinVar (database versions not stated): 1000 Genomes Project 0.00100; 1000 Genomes Project 30x 0.00125; gnomAD 0.00186; gnomAD exomes 0.00193 and 0.00232; ExAC 0.00202; TOPMed 0.00208; ESP Exome Variant Server 0.00223.
gnomAD v4.1: 3,619 of 1,598,184 alleles (0.23%); highest among the groups gnomAD compares: Non-Finnish European, 0.28%; 3 homozygotes.

Submissions (2):

Women's Health and Genetics/Laboratory Corporation of America, LabCorp
Classification: Benign. Last evaluated: 2020-08-03. Review status: criteria provided, single submitter. Criteria: LabCorp Variant Classification Summary - May 2015. Collection method: clinical testing. Allele origin: germline.
Comment: Variant summary: LIG3 c.2331+19G>A alters a non-conserved nucleotide located close to a canonical splice site and therefore could affect mRNA splicing, leading to a significantly altered protein sequence. 4/4 computational tools predict no significant impact on normal splicing. However, these predictions have yet to be confirmed by functional studies. The variant allele was found at a frequency of 0.0019 in 250746 control chromosomes, predominantly at a frequency of 0.0032 within the Non-Finnish European subpopulation in the gnomAD database, including 1 homozygote. The observed variant frequency within Non-Finnish European control individuals in the gnomAD database is approximately 960-fold of the estimated maximal expected allele frequency for a pathogenic variant in LIG3 causing Long QT Syndrome phenotype (3.3e-06), strongly suggesting that the variant is a benign polymorphism found primarily in populations of Non-Finnish European origin. To our knowledge, no occurrence of c.2331+19G>A in individuals affected with Long QT Syndrome and no experimental evidence demonstrating its impact on protein function have been reported. No clinical diagnostic laboratories have submitted clinical-significance assessments for this variant to ClinVar after 2014. Based on the evidence outlined above, the variant was classified as benign.

Breakthrough Genomics
Classification: Benign. Review status: criteria provided, single submitter. Criteria: ACMG Guidelines, 2015. Collection method: not provided. Allele origin: germline. Inheritance: Autosomal recessive inheritance. Affected: yes.